The following is an entry in ClinVar:

NM_001134382.3(IQSEC1):c.885G>A (p.Glu295=)

Gene: IQSEC1 (IQ motif and Sec7 domain ArfGEF 1; minus strand). Cytogenetic location: 3p25.2.
Variant type: single nucleotide variant.
Coding change: c.885G>A on transcript NM_001134382.3 (MANE Select); coding-DNA position 885, G replaced by A.
Protein change: p.Glu295=; no amino-acid change (glutamic acid 295 retained).
Molecular consequence: synonymous variant.
Genome position (GRCh38, 1-based): chr3:12,936,131, C>T on the plus strand (G>A on the coding strand, the complement: IQSEC1 is on the minus strand). VCF-style: chr3-12936131-C-T. GRCh37 (hg19) VCF-style: chr3-12977631-C-T.
Other names: c.561G>A, p.Glu187= (NM_001330619.3); c.1209G>A, p.Glu403= (NM_001376938.2); c.927G>A, p.Glu309= (NM_014869.8).
Identifiers: ClinVar variation 2653561 (VCV002653561.25), dbSNP rs151018442, ClinGen allele CA2262405.

ClinVar aggregate classification (germline): Likely benign. Review status: criteria provided, multiple submitters, no conflicts (2 of 4 stars). 2 submissions from 2 submitters: Likely benign (2). Last evaluated 2026-05-01.

Allele frequency attached by ClinVar (database versions not stated): 1000 Genomes Project 0.00140; 1000 Genomes Project 30x 0.00156; ExAC 0.00180; TOPMed 0.00288; gnomAD 0.00290; gnomAD exomes 0.00377; ESP Exome Variant Server 0.00415.
gnomAD v4.1: 5,888 of 1,612,312 alleles (0.37%); highest among the groups gnomAD compares: Non-Finnish European, 0.46%; 17 homozygotes.

Submissions (2):

CeGaT Center for Human Genetics Tuebingen
Classification: Likely benign. Last evaluated: 2026-05-01. Review status: criteria provided, single submitter. Criteria: CeGaT Center For Human Genetics Tuebingen Variant Classification Criteria Version 2. Collection method: clinical testing. Allele origin: germline. Affected: yes. Observed: 5 variant alleles.
Comment: IQSEC1: BP4, BP7, BS2

Blueprint Genetics
Classification: Likely benign. Last evaluated: 2024-11-26. Review status: criteria provided, single submitter. Criteria: ACMG Guidelines, 2015. Collection method: clinical testing. Allele origin: germline.